The following is an entry in ClinVar:

NM_001254.4(CDC6):c.62G>A (p.Arg21Gln)

Gene: CDC6 (cell division cycle 6; plus strand). Cytogenetic location: 17q21.2.
Variant type: single nucleotide variant.
Coding change: c.62G>A on transcript NM_001254.4 (MANE Select); coding-DNA position 62, G replaced by A.
Protein change: p.Arg21Gln; replaces arginine 21 with glutamine.
Molecular consequence: missense variant.
Genome position (GRCh38, 1-based): chr17:40,289,482, G>A. VCF-style: chr17-40289482-G-A. GRCh37 (hg19) VCF-style: chr17-38445734-G-A.
Other names: c.62G>A (NM_001254.3); short protein forms R21Q.
Identifiers: ClinVar variation 2175357 (VCV002175357.5), dbSNP rs193089010, ClinGen allele CA8541793.

ClinVar aggregate classification (germline): Uncertain significance. Review status: criteria provided, multiple submitters, no conflicts (2 of 4 stars). 2 submissions from 2 submitters: Uncertain significance (2). Last evaluated 2025-09-21.

Allele frequency attached by ClinVar (database versions not stated): ExAC 0.00001; gnomAD 0.00004; TOPMed 0.00005; 1000 Genomes Project 30x 0.00016; 1000 Genomes Project 0.00020.
gnomAD v4.1: 33 of 1,613,792 alleles (0.002%); highest among the groups gnomAD compares: Admixed American, 0.017%; no homozygotes.

Submissions (2):

Labcorp Genetics (formerly Invitae), Labcorp
Classification: Uncertain significance. Last evaluated: 2025-09-21. Review status: criteria provided, single submitter. Criteria: Invitae Variant Classification Sherloc (09022015). Collection method: clinical testing. Allele origin: germline.
Comment: This sequence change replaces arginine, which is basic and polar, with glutamine, which is neutral and polar, at codon 21 of the CDC6 protein (p.Arg21Gln). This variant is present in population databases (rs193089010, gnomAD 0.02%). This variant has not been reported in the literature in individuals affected with CDC6-related conditions. ClinVar contains an entry for this variant (Variation ID: 2175357). An algorithm developed to predict the effect of missense changes on protein structure and function outputs the following: PolyPhen-2: "Benign". The glutamine amino acid residue is found in multiple mammalian species, which suggests that this missense change does not adversely affect protein function. In summary, the available evidence is currently insufficient to determine the role of this variant in disease. Therefore, it has been classified as a Variant of Uncertain Significance.

Ambry Genetics
Classification: Uncertain significance. Last evaluated: 2024-01-09. Review status: criteria provided, single submitter. Criteria: Ambry Variant Classification Scheme 2023. Collection method: clinical testing. Allele origin: germline.